The following is an entry in ClinVar:

NM_006206.6(PDGFRA):c.1495G>T (p.Val499Leu)

Gene: PDGFRA (platelet derived growth factor receptor alpha; plus strand). Cytogenetic location: 4q12.
Variant type: single nucleotide variant.
Coding change: c.1495G>T on transcript NM_006206.6 (MANE Select); coding-DNA position 1495, G replaced by T.
Protein change: p.Val499Leu; replaces valine 499 with leucine.
Molecular consequence: missense variant.
Genome position (GRCh38, 1-based): chr4:54,273,667, G>T. VCF-style: chr4-54273667-G-T. GRCh37 (hg19) VCF-style: chr4-55139834-G-T.
Other names: c.1495G>T, p.Val499Leu (NM_001347827.2, NM_001347829.2); c.1570G>T, p.Val524Leu (NM_001347828.2); c.1534G>T, p.Val512Leu (NM_001347830.2); short protein forms V512L, V524L, V499L.
Identifiers: ClinVar variation 1489585 (VCV001489585.9), dbSNP rs746574289, ClinGen allele CA356892683.

ClinVar aggregate classification (germline): Uncertain significance. Review status: criteria provided, multiple submitters, no conflicts (2 of 4 stars). 3 submissions from 3 submitters: Uncertain significance (3). Last evaluated 2025-12-09.

Conditions:
Hereditary cancer-predisposing syndrome. Also called: Hereditary neoplastic syndrome; Tumor predisposition; Hereditary Cancer Syndrome; Neoplastic Syndromes, Hereditary. Identifiers: Orphanet 140162, MedGen C0027672, MeSH D009386, MONDO:0015356.
Gastrointestinal stromal tumor. Also called: Gastrointestinal stroma tumor; Gastrointestinal stromal tumor, somatic. Identifiers: Orphanet 44890, MedGen C0238198, MeSH D046152, MONDO:0011719, OMIM 606764, HP:0100723.

gnomAD v4.1: 1 of 1,614,020 alleles (0.000062%); highest among the groups gnomAD compares: Non-Finnish European, 0.000085%; no homozygotes.

Submissions (3):

Ambry Genetics
Classification: Uncertain significance for Hereditary cancer-predisposing syndrome. Last evaluated: 2025-12-09. Review status: criteria provided, single submitter. Criteria: Ambry Variant Classification Scheme 2023. Collection method: clinical testing. Allele origin: germline.
Comment: The p.V499L variant (also known as c.1495G>T), located in coding exon 9 of the PDGFRA gene, results from a G to T substitution at nucleotide position 1495. The valine at codon 499 is replaced by leucine, an amino acid with highly similar properties. This amino acid position is conserved. In addition, the in silico prediction for this alteration is inconclusive. Since supporting evidence is limited at this time, the clinical significance of this alteration remains unclear.

ARUP Laboratories, Molecular Genetics and Genomics, ARUP Laboratories
Classification: Uncertain significance. Last evaluated: 2024-11-05. Review status: criteria provided, single submitter. Criteria: ARUP Molecular Germline Variant Investigation Process 2024. Collection method: clinical testing. Allele origin: germline.
Comment: The PDGFRA c.1495G>T; p.Val499Leu variant (rs746574289), to our knowledge, is not reported in the medical literature but is reported in ClinVar (Variation ID: 1489585). This variant is also absent from the Genome Aggregation Database, indicating it is not a common polymorphism. Computational analyses are uncertain whether this variant is neutral or deleterious (REVEL: 0.410). Due to limited information, the clinical significance of this variant is uncertain at this time.

Labcorp Genetics (formerly Invitae), Labcorp
Classification: Uncertain significance for Gastrointestinal stromal tumor. Last evaluated: 2023-06-27. Review status: criteria provided, single submitter. Criteria: Invitae Variant Classification Sherloc (09022015). Collection method: clinical testing. Allele origin: germline.
Comment: This sequence change replaces valine, which is neutral and non-polar, with leucine, which is neutral and non-polar, at codon 499 of the PDGFRA protein (p.Val499Leu). This variant is not present in population databases (gnomAD no frequency). In summary, the available evidence is currently insufficient to determine the role of this variant in disease. Therefore, it has been classified as a Variant of Uncertain Significance. Advanced modeling of protein sequence and biophysical properties (such as structural, functional, and spatial information, amino acid conservation, physicochemical variation, residue mobility, and thermodynamic stability) performed at Invitae indicates that this missense variant is not expected to disrupt PDGFRA protein function. ClinVar contains an entry for this variant (Variation ID: 1489585). This variant has not been reported in the literature in individuals affected with PDGFRA-related conditions.